The following is an entry in ClinVar:

ClinVar aggregate classification (germline): Likely pathogenic (1 of 4 stars; one submission).

Conditions:
Dilated cardiomyopathy 1G (CMD1G). Identifiers: Orphanet 154, MedGen C1858763, MONDO:0011400, OMIM 604145.
Autosomal recessive limb-girdle muscular dystrophy type 2J (LGMDR10). Also called: Limb-girdle muscular dystrophy, type 2J; MUSCULAR DYSTROPHY, LIMB-GIRDLE, AUTOSOMAL RECESSIVE 10. Identifiers: Orphanet 140922, MedGen C1837342, MONDO:0012127, OMIM 608807.

Submission:

Labcorp Genetics (formerly Invitae), Labcorp
Classification: Likely pathogenic for Dilated cardiomyopathy 1G; Autosomal recessive limb-girdle muscular dystrophy type 2J. Last evaluated: 2019-10-10. Review status: criteria provided, single submitter. Criteria: Invitae Variant Classification Sherloc (09022015). Collection method: clinical testing. Allele origin: germline.
Comment: This sequence change results in a premature translational stop signal in the TTN gene (p.Trp28076*). While this is not anticipated to result in nonsense mediated decay, it is expected to create a truncated TTN protein. This variant is not present in population databases (ExAC no frequency). This variant has not been reported in the literature in individuals with TTN-related conditions. This variant is located in the A band of TTN (PMID: 25589632). Truncating variants in this region are significantly overrepresented in patients affected with dilated cardiomyopathy (PMID: 25589632). Truncating variants in this region have also been reported in individuals affected with autosomal recessive centronuclear myopathy (PMID: 23975875). In summary, the currently available evidence indicates that the variant is pathogenic, but additional data are needed to prove that conclusively. Therefore, this variant has been classified as Likely Pathogenic.

Literature cited by the submitters: PubMed 25589632; PubMed 23975875.

NM_001267550.2(TTN):c.84228del (p.Ser28075_Trp28076insTer)

Genes: TTN-AS1 (TTN antisense RNA 1; plus strand), TTN (titin; minus strand). Cytogenetic location: 2q31.2.
Variant type: Deletion.
Coding change: c.84228del on transcript NM_001267550.2 (MANE Select); coding-DNA position 84228, one base deleted (G; older notation c.84228delG).
Protein change: p.Ser28075_Trp28076insTer.
Molecular consequence: nonsense.
Genome position (GRCh38, 1-based): chr2:178,561,904, C deleted on the plus strand (G on the coding strand, the reverse complement: TTN is on the minus strand); the first of 2 consecutive C bases (chr2:178,561,904-178,561,905); deleting either gives the same sequence. VCF-style (leftmost placement, unchanged base first): chr2-178561903-TC-T. GRCh37 (hg19) VCF-style: chr2-179426630-TC-T.
Other names: c.79305del, p.Ser26434_Trp26435insTer (NM_001256850.1); c.57033del, p.Ser19010_Trp19011insTer (NM_003319.4); c.76524del, p.Ser25507_Trp25508insTer (NM_133378.4); c.57408del, p.Ser19135_Trp19136insTer (NM_133432.3); c.57609del, p.Ser19202_Trp19203insTer (NM_133437.4).
Identifiers: ClinVar variation 968348 (VCV000968348.10), dbSNP rs1703813514, ClinGen allele CA1139657433.